The following is an entry in ClinVar:

NM_000218.3(KCNQ1):c.1857G>A (p.Leu619=)

Genes: KCNQ1 (potassium voltage-gated channel subfamily Q member 1; plus strand), KCNQ1-AS1 (KCNQ1 antisense RNA 1; minus strand). Cytogenetic location: 11p15.4.
Variant type: single nucleotide variant.
Coding change: c.1857G>A on transcript NM_000218.3 (MANE Select); coding-DNA position 1857, G replaced by A.
Protein change: p.Leu619=; no amino-acid change (leucine 619 retained).
Molecular consequence: synonymous variant.
Genome position (GRCh38, 1-based): chr11:2,847,829, G>A. VCF-style: chr11-2847829-G-A. GRCh37 (hg19) VCF-style: chr11-2869059-G-A.
Other names: c.1761G>A, p.Leu587= (NM_001406836.1); c.1587G>A, p.Leu529= (NM_001406837.1); c.1317G>A, p.Leu439= (NM_001406838.1); c.369G>A, p.Leu123= (NM_001406839.1); c.1476G>A, p.Leu492= (NM_181798.2).
Identifiers: ClinVar variation 2174007 (VCV002174007.8), dbSNP rs1402135145, ClinGen allele CA472466342.

ClinVar aggregate classification (germline): Likely benign. Review status: criteria provided, multiple submitters, no conflicts (2 of 4 stars). 4 submissions from 4 submitters: Likely benign (4). Last evaluated 2025-12-22.

Conditions:
Cardiovascular phenotype. Identifiers: MedGen CN230736.
Long QT syndrome (LQTS). Identifiers: MedGen C0023976, MeSH D008133, MONDO:0002442. Disease mechanism: loss of function. Inheritance: Various modes of inheritance.

Allele frequency attached by ClinVar (database versions not stated): TOPMed below 0.00001.
gnomAD v4.1: 10 of 1,568,192 alleles (0.00064%); highest among the groups gnomAD compares: Non-Finnish European, 0.00069%; no homozygotes.

Submissions (4):

Women's Health and Genetics/Laboratory Corporation of America, LabCorp
Classification: Likely benign. Last evaluated: 2025-12-22. Review status: criteria provided, single submitter. Criteria: LabCorp Variant Classification Summary - May 2015. Collection method: clinical testing. Allele origin: germline.

Labcorp Genetics (formerly Invitae), Labcorp
Classification: Likely benign for Long QT syndrome. Last evaluated: 2024-08-05. Review status: criteria provided, single submitter. Criteria: Invitae Variant Classification Sherloc (09022015). Collection method: clinical testing. Allele origin: germline.

All of Us Research Program, National Institutes of Health
Classification: Likely benign for Long QT syndrome. Last evaluated: 2023-06-08. Review status: criteria provided, single submitter. Criteria: ACMG Guidelines, 2015. Collection method: clinical testing. Allele origin: germline. Inheritance: Autosomal dominant inheritance. Observed: 1 variant allele, 1 heterozygote.
Comment: This study involves interpretation of variants in research participants for the purpose of population health screening. Participant phenotype was not available at the time of variant classification. Additional details can be found in publication PMID: 35346344, PMCID: PMC8962531

Ambry Genetics
Classification: Likely benign for Cardiovascular phenotype. Last evaluated: 2022-11-07. Review status: criteria provided, single submitter. Criteria: Ambry Variant Classification Scheme 2023. Collection method: clinical testing. Allele origin: germline.